The following is an entry in ClinVar:

ClinVar aggregate classification (germline): Likely benign. Review status: criteria provided, single submitter (1 of 4 stars). 2 submissions from 2 submitters: Likely benign (1). 1 of the submissions does not count toward it. Last evaluated 2023-11-02.

Conditions:
FRAS1-related disorder. Also called: FRAS1-related condition.

Allele frequency attached by ClinVar (database versions not stated): gnomAD 0.00004; TOPMed 0.00006; ESP Exome Variant Server 0.00008.
gnomAD v4.1: 97 of 1,613,900 alleles (0.006%); highest among the groups gnomAD compares: Non-Finnish European, 0.0078%; no homozygotes.

Submissions (2):

Labcorp Genetics (formerly Invitae), Labcorp
Classification: Likely benign. Last evaluated: 2023-11-02. Review status: criteria provided, single submitter. Criteria: Invitae Variant Classification Sherloc (09022015). Collection method: clinical testing. Allele origin: germline.

PreventionGenetics, part of Exact Sciences
Classification: Likely benign for FRAS1-related condition. Last evaluated: 2021-01-11. Review status: no assertion criteria provided. Collection method: clinical testing. Allele origin: germline. Not counted in ClinVar's aggregate classification.
Comment: This variant is classified as likely benign based on ACMG/AMP sequence variant interpretation guidelines (Richards et al. 2015 PMID: 25741868, with internal and published modifications).

NM_025074.7(FRAS1):c.11253A>G (p.Gly3751=)

Gene: FRAS1 (Fraser extracellular matrix complex subunit 1; plus strand). Cytogenetic location: 4q21.21.
Variant type: single nucleotide variant.
Coding change: c.11253A>G on transcript NM_025074.7 (MANE Select); coding-DNA position 11253, A replaced by G.
Protein change: p.Gly3751=; no amino-acid change (glycine 3751 retained).
Molecular consequence: synonymous variant.
Genome position (GRCh38, 1-based): chr4:78,537,155, A>G. VCF-style: chr4-78537155-A-G. GRCh37 (hg19) VCF-style: chr4-79458309-A-G.
Other names: c.11253A>G (NM_025074.6).
Identifiers: ClinVar variation 2728299 (VCV002728299.5), dbSNP rs371333763, ClinGen allele CA2979178.